The following is an entry in ClinVar:

ClinVar aggregate classification (germline): Pathogenic (3 of 4 stars; one submission).

Conditions:
Breast-ovarian cancer, familial, susceptibility to, 2 (BROVCA2). Also called: BRCA2 Hereditary Breast and Ovarian Cancer. Identifiers: Orphanet 145, MedGen C2675520, MONDO:0012933, OMIM 612555. Disease mechanism: loss of function.

Submission:

Evidence-based Network for the Interpretation of Germline Mutant Alleles (ENIGMA)
Classification: Pathogenic for Breast-ovarian cancer, familial, susceptibility to, 2. Last evaluated: 2017-12-15. Review status: reviewed by expert panel. Criteria: ENIGMA BRCA1/2 Classification Criteria (2017-06-29). Collection method: curation. Allele origin: germline. Study: ENIGMA.
Comment: Variant allele predicted to encode a truncated non-functional protein.

NM_000059.4(BRCA2):c.8433_8434insC (p.Gly2812fs)

Gene: BRCA2 (BRCA2 DNA repair associated; plus strand). Cytogenetic location: 13q13.1.
Variant type: Insertion.
Coding change: c.8433_8434insC on transcript NM_000059.4 (MANE Select); coding-DNA positions 8433 to 8434, C inserted.
Protein change: p.Gly2812fs; shifts the reading frame from glycine 2812.
Molecular consequence: frameshift variant.
Genome position: GRCh38 VCF-style: chr13-32370503-T-TC. GRCh37 (hg19) VCF-style: chr13-32944640-T-TC.
Other names: short protein forms G2812fs.
Identifiers: ClinVar variation 548391 (VCV000548391.1), dbSNP rs1555287644, ClinGen allele CA658823581.
Genomic context (GRCh38, chr13:32,370,503, plus strand): 5'-ACTTGGATTCTTTCCTGACCCTAGACCTTTTCCTCTGCCCTTATCATCGCTTTTCAGTGA[T>TC]GGAGGAAATGTTGGTTGTGTTGATGTAATTATTCAAAGAGCATACCCTATACAGGTATGA-3'